The following is an entry in ClinVar:

NM_005762.3(TRIM28):c.957G>A (p.Lys319=)

Gene: TRIM28 (tripartite motif containing 28; plus strand). Cytogenetic location: 19q13.43.
Variant type: single nucleotide variant.
Coding change: c.957G>A on transcript NM_005762.3 (MANE Select); coding-DNA position 957, G replaced by A.
Protein change: p.Lys319=; no amino-acid change (lysine 319 retained).
Molecular consequence: synonymous variant.
Genome position (GRCh38, 1-based): chr19:58,548,036, G>A. VCF-style: chr19-58548036-G-A. GRCh37 (hg19) VCF-style: chr19-59059403-G-A.
Identifiers: ClinVar variation 3711079 (VCV003711079.2).
Genomic context (GRCh38, chr19:58,548,036, plus strand): 5'-GAGTGATCCTAGTATTCTTCTGCCTTCTCTGCTTACCTCATACACCTTCTATCTGCAGAA[G>A]GTGACTGAGGGGCAGCAGGAGCGCCTGGAGCGGCAGCACTGGACCATGACCAAGATCCAG-3'
Protein context (NP_005753.1, residues 309-329): RGRVLVNDAQ[Lys319=]VTEGQQERLE

ClinVar aggregate classification (germline): Uncertain significance (1 of 4 stars; one submission).

gnomAD v4.1: 33 of 1,614,062 alleles (0.002%); highest among the groups gnomAD compares: Non-Finnish European, 0.0027%; no homozygotes.

Submission:

Labcorp Genetics (formerly Invitae), Labcorp
Classification: Uncertain significance. Last evaluated: 2024-06-18. Review status: criteria provided, single submitter. Criteria: Invitae Variant Classification Sherloc (09022015). Collection method: clinical testing. Allele origin: germline.
Comment: This sequence change affects codon 319 of the TRIM28 mRNA. It is a 'silent' change, meaning that it does not change the encoded amino acid sequence of the TRIM28 protein. This variant is present in population databases (rs375174613, gnomAD 0.002%). This variant has not been reported in the literature in individuals affected with TRIM28-related conditions. Experimental studies and prediction algorithms are not available or were not evaluated, and the functional significance of this variant is currently unknown. In summary, the available evidence is currently insufficient to determine the role of this variant in disease. Therefore, it has been classified as a Variant of Uncertain Significance.